The following is an entry in ClinVar:

NM_000165.5(GJA1):c.761T>C (p.Leu254Pro)

Gene: GJA1 (gap junction protein alpha 1; plus strand). Cytogenetic location: 6q22.31.
Variant type: single nucleotide variant.
Coding change: c.761T>C on transcript NM_000165.5 (MANE Select); coding-DNA position 761, T replaced by C.
Protein change: p.Leu254Pro; replaces leucine 254 with proline.
Molecular consequence: missense variant.
Genome position (GRCh38, 1-based): chr6:121,447,608, T>C. VCF-style: chr6-121447608-T-C. GRCh37 (hg19) VCF-style: chr6-121768754-T-C.
Other names: short protein forms L254P.
Identifiers: ClinVar variation 1352342 (VCV001352342.8), dbSNP rs1374645750, ClinGen allele CA365559720.
Genomic context (GRCh38, chr6:121,447,608, plus strand): 5'-AGGGCGTTAAGGATCGGGTTAAGGGAAAGAGCGACCCTTACCATGCGACCAGTGGTGCGC[T>C]GAGCCCTGCCAAAGACTGTGGGTCTCAAAAATATGCTTATTTCAATGGCTGCTCCTCACC-3'
Protein context (NP_000156.1, residues 244-264): SDPYHATSGA[Leu254Pro]SPAKDCGSQK

ClinVar aggregate classification (germline): Uncertain significance (1 of 4 stars; one submission).

Conditions:
Oculodentodigital dysplasia, autosomal recessive. Also called: OCULODENTOOSSEOUS DYSPLASIA, AUTOSOMAL RECESSIVE; ODDD, AUTOSOMAL RECESSIVE; ODOD, AUTOSOMAL RECESSIVE. Identifiers: Orphanet 2710, MedGen C2749477, MONDO:0009768, OMIM 257850.

Allele frequency attached by ClinVar (database versions not stated): gnomAD exomes below 0.00001; TOPMed 0.00003.
gnomAD v4.1: 1 of 1,614,040 alleles (0.000062%); highest among the groups gnomAD compares: Non-Finnish European, 0.000085%; no homozygotes.

Submission:

Labcorp Genetics (formerly Invitae), Labcorp
Classification: Uncertain significance for Oculodentodigital dysplasia, autosomal recessive. Last evaluated: 2022-10-17. Review status: criteria provided, single submitter. Criteria: Invitae Variant Classification Sherloc (09022015). Collection method: clinical testing. Allele origin: germline.
Comment: In summary, the available evidence is currently insufficient to determine the role of this variant in disease. Therefore, it has been classified as a Variant of Uncertain Significance. Advanced modeling of protein sequence and biophysical properties (such as structural, functional, and spatial information, amino acid conservation, physicochemical variation, residue mobility, and thermodynamic stability) performed at Invitae indicates that this missense variant is not expected to disrupt GJA1 protein function. ClinVar contains an entry for this variant (Variation ID: 1352342). This variant has not been reported in the literature in individuals affected with GJA1-related conditions. This variant is not present in population databases (gnomAD no frequency). This sequence change replaces leucine, which is neutral and non-polar, with proline, which is neutral and non-polar, at codon 254 of the GJA1 protein (p.Leu254Pro).